The following is an entry in ClinVar:

NM_005477.3(HCN4):c.725G>T (p.Arg242Leu)

Gene: HCN4 (hyperpolarization activated cyclic nucleotide gated potassium channel 4; minus strand). Cytogenetic location: 15q24.1.
Variant type: single nucleotide variant.
Coding change: c.725G>T on transcript NM_005477.3 (MANE Select); coding-DNA position 725, G replaced by T.
Protein change: p.Arg242Leu; replaces arginine 242 with leucine.
Molecular consequence: missense variant.
Genome position (GRCh38, 1-based): chr15:73,367,546, C>A on the plus strand (G>T on the coding strand, the complement: HCN4 is on the minus strand). VCF-style: chr15-73367546-C-A. GRCh37 (hg19) VCF-style: chr15-73659887-C-A.
Other names: short protein forms R242L.
Identifiers: ClinVar variation 2115429 (VCV002115429.4), dbSNP rs1253627105, ClinGen allele CA393097107.

ClinVar aggregate classification (germline): Uncertain significance (1 of 4 stars; one submission).

Conditions:
Brugada syndrome 8 (BRGDA8). Identifiers: Orphanet 130, MedGen C2751083, MONDO:0013148, OMIM 613123.

Submission:

Labcorp Genetics (formerly Invitae), Labcorp
Classification: Uncertain significance for Brugada syndrome 8. Last evaluated: 2022-03-20. Review status: criteria provided, single submitter. Criteria: Invitae Variant Classification Sherloc (09022015). Collection method: clinical testing. Allele origin: germline.
Comment: This variant is not present in population databases (gnomAD no frequency). This sequence change replaces arginine, which is basic and polar, with leucine, which is neutral and non-polar, at codon 242 of the HCN4 protein (p.Arg242Leu). This variant has not been reported in the literature in individuals affected with HCN4-related conditions. Advanced modeling of protein sequence and biophysical properties (such as structural, functional, and spatial information, amino acid conservation, physicochemical variation, residue mobility, and thermodynamic stability) performed at Invitae indicates that this missense variant is not expected to disrupt HCN4 protein function. In summary, the available evidence is currently insufficient to determine the role of this variant in disease. Therefore, it has been classified as a Variant of Uncertain Significance.